The following is an entry in ClinVar:

ClinVar aggregate classification (germline): Uncertain significance (1 of 4 stars; one submission).

gnomAD v4.1: 1 of 1,606,056 alleles (0.000062%); highest among the groups gnomAD compares: Non-Finnish European, 0.000085%; no homozygotes.

Submission:

GeneDx
Classification: Uncertain significance. Last evaluated: 2025-05-07. Review status: criteria provided, single submitter. Criteria: GeneDx Variant Classification Process June 2021. Collection method: clinical testing. Allele origin: germline. Affected: yes.
Comment: Not observed at significant frequency in large population cohorts (gnomAD); In silico analysis supports that this missense variant has a deleterious effect on protein structure/function; Has not been previously published as pathogenic or benign to our knowledge

NM_014991.6(WDFY3):c.9040C>G (p.Pro3014Ala)

Gene: WDFY3 (WD repeat and FYVE domain containing 3; minus strand). Cytogenetic location: 4q21.23.
Variant type: single nucleotide variant.
Coding change: c.9040C>G on transcript NM_014991.6 (MANE Select); coding-DNA position 9040, C replaced by G.
Protein change: p.Pro3014Ala; replaces proline 3014 with alanine.
Molecular consequence: missense variant.
Genome position (GRCh38, 1-based): chr4:84,692,894, G>C on the plus strand (C>G on the coding strand, the complement: WDFY3 is on the minus strand). VCF-style: chr4-84692894-G-C. GRCh37 (hg19) VCF-style: chr4-85614047-G-C.
Other names: short protein forms P3014A.
Identifiers: ClinVar variation 4529795 (VCV004529795.1).
Genomic context (GRCh38, chr4:84,692,894, plus strand): 5'-TTAACAATCCCATTAAATCATTAATCAAAAGTTTATTTCTCATTATTTTACCTTTTACAG[G>C]TGTTAGAGAAGGCCTCAAGTTGTCTAGATGATGAAAAAAGATCTTGTCACTTGTAGATCC-3'
Protein context (NP_055806.2, residues 3004-3024): HLDNLRPSLT[Pro3014Ala]VKELKEPVGQ